The following is an entry in ClinVar:

NM_201384.3(PLEC):c.1804G>A (p.Ala602Thr)

Gene: PLEC (plectin; minus strand). Cytogenetic location: 8q24.3.
Variant type: single nucleotide variant.
Coding change: c.1804G>A on transcript NM_201384.3 (MANE Select); coding-DNA position 1804, G replaced by A.
Protein change: p.Ala602Thr; replaces alanine 602 with threonine.
Molecular consequence: missense variant.
Genome position (GRCh38, 1-based): chr8:143,932,646, C>T on the plus strand (G>A on the coding strand, the complement: PLEC is on the minus strand). VCF-style: chr8-143932646-C-T. GRCh37 (hg19) VCF-style: chr8-145006814-C-T.
Other names: c.1885G>A, p.Ala629Thr (NM_000445.5, NM_001410941.1); c.1762G>A, p.Ala588Thr (NM_201378.4); c.1738G>A, p.Ala580Thr (NM_201379.3); c.2215G>A, p.Ala739Thr (NM_201380.4); c.1708G>A, p.Ala570Thr (NM_201381.3); c.1804G>A, p.Ala602Thr (NM_201382.4); c.1816G>A, p.Ala606Thr (NM_201383.3); short protein forms A570T, A580T, A588T, A602T, A606T, A629T, A739T.
Identifiers: ClinVar variation 3752152 (VCV003752152.2).
Genomic context (GRCh38, chr8:143,932,646, plus strand): 5'-GCAGGCCGCGGGCTACCCACCTCCCCCGGCTGGCCCTGCCCCCACTCACCAGCAGCTTGG[C>T]GTACTGCAGGTCCAGCCGACCCAGGCAGTCACGGTAGGCACCCCGGGTGGCGGGGGAGAG-3'
Protein context (NP_958786.1, residues 592-612): DCLGRLDLQY[Ala602Thr]KLLNSSKARL

ClinVar aggregate classification (germline): Uncertain significance (1 of 4 stars; one submission).

Conditions:
Epidermolysis bullosa simplex with nail dystrophy (EBS5D). Identifiers: MedGen C4225309, MONDO:0014661, OMIM 616487.
Epidermolysis bullosa simplex, Ogna type (EBS5A). Also called: Pidermolysis bullosa simplex 5A, Ogna type; EPIDERMOLYSIS BULLOSA SIMPLEX 5A, OGNA TYPE. Identifiers: Orphanet 79401, MedGen C0432317, MONDO:0007555, OMIM 131950.
Autosomal recessive limb-girdle muscular dystrophy type 2Q (LGMDR17). Also called: MUSCULAR DYSTROPHY, LIMB-GIRDLE, AUTOSOMAL RECESSIVE 17. Identifiers: Orphanet 254361, MedGen C3150989, MONDO:0013390, OMIM 613723.
Epidermolysis bullosa simplex 5B, with muscular dystrophy (EBS5B). Also called: EPIDERMOLYSIS BULLOSA SIMPLEX AND LIMB-GIRDLE MUSCULAR DYSTROPHY; Epidermolysis bullosa simplex with muscular dystrophy. Identifiers: Orphanet 257, MedGen C2931072, MONDO:0009181, OMIM 226670.
Epidermolysis bullosa simplex 5C, with pyloric atresia (EBS5C). Also called: PLEC-Related Epidermolysis Bullosa with Pyloric Atresia; Epidermolysis bullosa simplex with pyloric atresia; PLEC1-Related Epidermolysis Bullosa with Pyloric Atresia. Identifiers: Orphanet 158684, MedGen C2677349, MONDO:0012807, OMIM 612138.

gnomAD v4.1: 26 of 1,610,768 alleles (0.0016%); highest among the groups gnomAD compares: East Asian, 0.0089%; no homozygotes.

Submission:

Labcorp Genetics (formerly Invitae), Labcorp
Classification: Uncertain significance for Autosomal recessive limb-girdle muscular dystrophy type 2Q; Epidermolysis bullosa simplex, Ogna type; Epidermolysis bullosa simplex with nail dystrophy; Epidermolysis bullosa simplex 5C, with pyloric atresia; Epidermolysis bullosa simplex 5B, with muscular dystrophy. Last evaluated: 2024-08-23. Review status: criteria provided, single submitter. Criteria: Invitae Variant Classification Sherloc (09022015). Collection method: clinical testing. Allele origin: germline.
Comment: This sequence change replaces alanine, which is neutral and non-polar, with threonine, which is neutral and polar, at codon 629 of the PLEC protein (p.Ala629Thr). The frequency data for this variant in the population databases is considered unreliable, as metrics indicate poor data quality at this position in the gnomAD database. This variant has not been reported in the literature in individuals affected with PLEC-related conditions. Invitae Evidence Modeling of protein sequence and biophysical properties (such as structural, functional, and spatial information, amino acid conservation, physicochemical variation, residue mobility, and thermodynamic stability) indicates that this missense variant is not expected to disrupt PLEC protein function with a negative predictive value of 80%. In summary, the available evidence is currently insufficient to determine the role of this variant in disease. Therefore, it has been classified as a Variant of Uncertain Significance.